The following is an entry in ClinVar:

NM_000492.4(CFTR):c.1564A>G (p.Lys522Glu)

Genes: CFTR (CF transmembrane conductance regulator; plus strand), CFTR-AS1 (CFTR antisense RNA 1; minus strand). Cytogenetic location: 7q31.2.
Variant type: single nucleotide variant.
Coding change: c.1564A>G on transcript NM_000492.4 (MANE Select); coding-DNA position 1564, A replaced by G.
Protein change: p.Lys522Glu; replaces lysine 522 with glutamic acid.
Molecular consequence: missense variant.
Genome position (GRCh38, 1-based): chr7:117,559,635, A>G. VCF-style: chr7-117559635-A-G. GRCh37 (hg19) VCF-style: chr7-117199689-A-G.
Other names: short protein forms K522E.
Identifiers: ClinVar variation 1321364 (VCV001321364.1), dbSNP rs1483458563, ClinGen allele CA368984938.
Genomic context (GRCh38, chr7:117,559,635, plus strand): 5'-ATTAAAGAAAATATCATCTTTGGTGTTTCCTATGATGAATATAGATACAGAAGCGTCATC[A>G]AAGCATGCCAACTAGAAGAGGTAAGAAACTATGTGAAAACTTTTTGATTATGCATATGAA-3'
Protein context (NP_000483.3, residues 512-532): YDEYRYRSVI[Lys522Glu]ACQLEEDISK

ClinVar aggregate classification (germline): Uncertain significance (1 of 4 stars; one submission).

Allele frequency attached by ClinVar (database versions not stated): TOPMed 0.00001.

Submission:

Women's Health and Genetics/Laboratory Corporation of America, LabCorp
Classification: Uncertain significance. Last evaluated: 2021-10-11. Review status: criteria provided, single submitter. Criteria: LabCorp Variant Classification Summary - May 2015. Collection method: clinical testing. Allele origin: germline.
Comment: Variant summary: CFTR c.1564A>G (p.Lys522Glu) results in a conservative amino acid change located in the ABC transporter-like, ATP-binding domain (IPR003439) of the encoded protein sequence. Three of five in-silico tools predict a benign effect of the variant on protein function. The variant was absent in 251100 control chromosomes. The available data on variant occurrences in the general population are insufficient to allow any conclusion about variant significance. c.1564A>G has been reported in the literature as a non-informative genotype (second allele not specified) in at-least one non-white US individual with CF (example, Schrijver_2005). These report(s) do not provide unequivocal conclusions about association of the variant with Cystic Fibrosis. To our knowledge, no experimental evidence demonstrating an impact on protein function has been reported. No clinical diagnostic laboratories have submitted clinical-significance assessments for this variant to ClinVar after 2014. Based on the evidence outlined above, the variant was classified as uncertain significance.

Literature cited by the submitters: PubMed 26708955.